The following is an entry in ClinVar:

ClinVar aggregate classification (germline): Uncertain significance (1 of 4 stars; one submission).

Conditions:
Inborn genetic diseases. Identifiers: MedGen C0950123, MeSH D030342.

Submission:

Ambry Genetics
Classification: Uncertain significance for Inborn genetic diseases. Last evaluated: 2025-09-28. Review status: criteria provided, single submitter. Criteria: Ambry Variant Classification Scheme 2023. Collection method: clinical testing. Allele origin: germline.
Comment: The p.S554R variant (also known as c.1662T>G), located in coding exon 12 of the ASXL1 gene, results from a T to G substitution at nucleotide position 1662. The serine at codon 554 is replaced by arginine, an amino acid with dissimilar properties. This amino acid position is conserved. In addition, this alteration is predicted to be tolerated by in silico analysis. Based on the available evidence, the clinical significance of this variant remains unclear.

NM_015338.6(ASXL1):c.1662T>G (p.Ser554Arg)

Gene: ASXL1 (ASXL transcriptional regulator 1; plus strand). Cytogenetic location: 20q11.21.
Variant type: single nucleotide variant.
Coding change: c.1662T>G on transcript NM_015338.6 (MANE Select); coding-DNA position 1662, T replaced by G.
Protein change: p.Ser554Arg; replaces serine 554 with arginine.
Molecular consequence: missense variant.
Genome position (GRCh38, 1-based): chr20:32,433,860, T>G. VCF-style: chr20-32433860-T-G. GRCh37 (hg19) VCF-style: chr20-31021663-T-G.
Other names: c.1479T>G, p.Ser493Arg (NM_001363734.1); short protein forms S554R, S493R.
Identifiers: ClinVar variation 4587427 (VCV004587427.1).